The following is an entry in ClinVar:

NM_006846.4(SPINK5):c.1177G>A (p.Gly393Arg)

Gene: SPINK5 (serine peptidase inhibitor Kazal type 5; plus strand). Cytogenetic location: 5q32.
Variant type: single nucleotide variant.
Coding change: c.1177G>A on transcript NM_006846.4 (MANE Select); coding-DNA position 1177, G replaced by A.
Protein change: p.Gly393Arg; replaces glycine 393 with arginine.
Molecular consequence: missense variant.
Genome position (GRCh38, 1-based): chr5:148,100,538, G>A. VCF-style: chr5-148100538-G-A. GRCh37 (hg19) VCF-style: chr5-147480101-G-A.
Other names: c.1177G>A, p.Gly393Arg (NM_001127698.2, NM_001127699.2); short protein forms G393R.
Identifiers: ClinVar variation 3371837 (VCV003371837.1).
Genomic context (GRCh38, chr5:148,100,538, plus strand): 5'-CTTGTGAGGAACGGAAAACTTGCTTGCACCAGAGAGAACGATCCTATCCAGGGCCCAGAT[G>A]GGAAAGTGCATGGCAACACCTGCTCCATGTGTGAGGTCTTCTTGTGAGTAGCCCTGCAGC-3'
Protein context (NP_006837.2, residues 383-403): RENDPIQGPD[Gly393Arg]KVHGNTCSMC

ClinVar aggregate classification (germline): Uncertain significance (1 of 4 stars; one submission).

gnomAD v4.1: 1 of 1,613,220 alleles (0.000062%); highest among the groups gnomAD compares: South Asian, 0.0011%; no homozygotes.

Submission:

GeneDx
Classification: Uncertain significance. Last evaluated: 2024-04-01. Review status: criteria provided, single submitter. Criteria: GeneDx Variant Classification Process June 2021. Collection method: clinical testing. Allele origin: germline. Affected: yes.
Comment: Not observed at significant frequency in large population cohorts (gnomAD); In silico analysis supports that this missense variant has a deleterious effect on protein structure/function; Has not been previously published as pathogenic or benign to our knowledge